The following is an entry in ClinVar:

ClinVar aggregate classification (germline): Likely benign. Review status: criteria provided, multiple submitters, no conflicts (2 of 4 stars). 2 submissions from 2 submitters: Likely benign (2). Last evaluated 2025-02-26.

Conditions:
CEP290-related disorder. Also called: CEP290-related disorders; CEP290-related condition. Identifiers: MedGen CN239314.
Meckel-Gruber syndrome. Also called: Dysencephalia splachnocystica; DYSENCEPHALIA SPLANCHNOCYSTICA; GRUBER SYNDROME. Identifiers: Orphanet 564, MedGen C0265215, MONDO:0018921.
Joubert syndrome. Also called: Familial aplasia of the vermis; JOUBERT-BOLTSHAUSER SYNDROME. Identifiers: Orphanet 475, MedGen C5979921, MONDO:0018772.
Nephronophthisis. Also called: Juvenile Nephronophthisis. Identifiers: Orphanet 655, MedGen C0687120, MONDO:0019005, HP:0000090.

Allele frequency attached by ClinVar (database versions not stated): gnomAD exomes 0.00002.
gnomAD v4.1: 18 of 1,252,852 alleles (0.0014%); highest among the groups gnomAD compares: Non-Finnish European, 0.002%; no homozygotes.

Submissions (2):

PreventionGenetics, part of Exact Sciences
Classification: Likely benign for CEP290-related condition. Last evaluated: 2025-02-26. Review status: criteria provided, single submitter. Criteria: ACMG Guidelines, 2015. Collection method: clinical testing. Allele origin: germline.
Comment: This variant is classified as likely benign based on ACMG/AMP sequence variant interpretation guidelines (Richards et al. 2015 PMID: 25741868, with internal and published modifications).

Labcorp Genetics (formerly Invitae), Labcorp
Classification: Likely benign for Joubert syndrome; Meckel-Gruber syndrome; Nephronophthisis. Last evaluated: 2023-08-18. Review status: criteria provided, single submitter. Criteria: Invitae Variant Classification Sherloc (09022015). Collection method: clinical testing. Allele origin: germline.

NM_025114.4(CEP290):c.5367A>T (p.Thr1789=)

Gene: CEP290 (centrosomal protein 290; minus strand). Cytogenetic location: 12q21.32.
Variant type: single nucleotide variant.
Coding change: c.5367A>T on transcript NM_025114.4 (MANE Select); coding-DNA position 5367, A replaced by T.
Protein change: p.Thr1789=; no amino-acid change (threonine 1789 retained).
Molecular consequence: synonymous variant.
Genome position (GRCh38, 1-based): chr12:88,077,916, T>A on the plus strand (A>T on the coding strand, the complement: CEP290 is on the minus strand). VCF-style: chr12-88077916-T-A. GRCh37 (hg19) VCF-style: chr12-88471693-T-A.
Other names: c.5367A>T (NM_025114.3).
Identifiers: ClinVar variation 2940354 (VCV002940354.4), dbSNP rs1481891599, ClinGen allele CA481073987.